The following is an entry in ClinVar:

NM_001127208.3(TET2):c.4589_4618del (p.Pro1530_Gln1539del)

Genes: TET2 (tet methylcytosine dioxygenase 2; plus strand), TET2-AS1 (TET2 antisense RNA 1; minus strand). Cytogenetic location: 4q24.
Variant type: Deletion.
Coding change: c.4589_4618del on transcript NM_001127208.3 (MANE Select); coding-DNA positions 4589 to 4618, 30 bases deleted (CTCTACAGAAGCAGCCACCACAGCCCCAGC).
Protein change: p.Pro1530_Gln1539del.
Molecular consequence: inframe deletion.
Genome position (GRCh38, 1-based): chr4:105,275,099-105,275,128, CTCTACAGAAGCAGCCACCACAGCCCCAGC deleted; deleting any 30 consecutive bases within chr4:105,275,089-105,275,128 gives the same sequence; the c. name uses the placement nearest the transcript's 3' end. VCF-style (leftmost placement, unchanged base first): chr4-105275088-GCAGCCCCAGCCTCTACAGAAGCAGCCACCA-G. GRCh37 (hg19) VCF-style: chr4-106196245-GCAGCCCCAGCCTCTACAGAAGCAGCCACCA-G.
Identifiers: ClinVar variation 2192140 (VCV002192140.1), dbSNP rs1425082557, ClinGen allele CA554049313.

ClinVar aggregate classification (germline): Uncertain significance (1 of 4 stars; one submission).

Submission:

Labcorp Genetics (formerly Invitae), Labcorp
Classification: Uncertain significance. Last evaluated: 2022-07-26. Review status: criteria provided, single submitter. Criteria: Invitae Variant Classification Sherloc (09022015). Collection method: clinical testing. Allele origin: germline.
Comment: This variant, c.4589_4618del, results in the deletion of 10 amino acid(s) of the TET2 protein (p.Pro1530_Gln1539del), but otherwise preserves the integrity of the reading frame. This variant is present in population databases (no rsID available, gnomAD 0.01%). This variant has not been reported in the literature in individuals affected with TET2-related conditions. Experimental studies and prediction algorithms are not available or were not evaluated, and the functional significance of this variant is currently unknown. In summary, the available evidence is currently insufficient to determine the role of this variant in disease. Therefore, it has been classified as a Variant of Uncertain Significance.